The following is an entry in ClinVar:

ClinVar aggregate classification (germline): Uncertain significance. Review status: criteria provided, multiple submitters, no conflicts (2 of 4 stars). 5 submissions from 5 submitters: Uncertain significance (5). Last evaluated 2025-07-31.

Conditions:
Juvenile polyposis syndrome (JPS). Identifiers: Orphanet 2929, MedGen C0345893, MONDO:0017380, OMIM 174900.
Hereditary cancer-predisposing syndrome. Also called: Tumor predisposition; Neoplastic Syndromes, Hereditary; Hereditary Cancer Syndrome; Hereditary neoplastic syndrome. Identifiers: Orphanet 140162, MedGen C0027672, MeSH D009386, MONDO:0015356.

Allele frequency attached by ClinVar (database versions not stated): gnomAD exomes below 0.00001; TOPMed 0.00001.
gnomAD v4.1: 3 of 1,613,000 alleles (0.00019%); highest among the groups gnomAD compares: Non-Finnish European, 0.00025%; no homozygotes.

Submissions (5):

Labcorp Genetics (formerly Invitae), Labcorp
Classification: Uncertain significance for Juvenile polyposis syndrome. Last evaluated: 2025-07-31. Review status: criteria provided, single submitter. Criteria: Invitae Variant Classification Sherloc (09022015). Collection method: clinical testing. Allele origin: germline.
Comment: This sequence change replaces alanine, which is neutral and non-polar, with threonine, which is neutral and polar, at codon 84 of the BMPR1A protein (p.Ala84Thr). This variant is not present in population databases (gnomAD no frequency). This variant has not been reported in the literature in individuals affected with BMPR1A-related conditions. ClinVar contains an entry for this variant (Variation ID: 629273). Invitae Evidence Modeling incorporating data from in vitro experimental studies (internal data) indicates that this missense variant is not expected to disrupt BMPR1A function with a negative predictive value of 95%. In summary, the available evidence is currently insufficient to determine the role of this variant in disease. Therefore, it has been classified as a Variant of Uncertain Significance.

Ambry Genetics
Classification: Uncertain significance for Hereditary cancer-predisposing syndrome. Last evaluated: 2024-02-09. Review status: criteria provided, single submitter. Criteria: Ambry Variant Classification Scheme 2023. Collection method: clinical testing. Allele origin: germline.
Comment: The p.A84T variant (also known as c.250G>A), located in coding exon 3 of the BMPR1A gene, results from a G to A substitution at nucleotide position 250. The alanine at codon 84 is replaced by threonine, an amino acid with similar properties. This amino acid position is highly conserved in available vertebrate species. In addition, the in silico prediction for this alteration is inconclusive. Based on the available evidence, the clinical significance of this alteration remains unclear.

GeneDx
Classification: Uncertain significance. Last evaluated: 2024-01-08. Review status: criteria provided, single submitter. Criteria: GeneDx Variant Classification Process June 2021. Collection method: clinical testing. Allele origin: germline. Affected: yes.
Comment: Not observed at significant frequency in large population cohorts (gnomAD); In silico analysis supports that this missense variant does not alter protein structure/function; Has not been previously published as pathogenic or benign to our knowledge; This variant is associated with the following publications: (PMID: 31949278, 22799562, 23433720, 10881198)

Sema4
Classification: Uncertain significance for Hereditary cancer-predisposing syndrome. Last evaluated: 2021-09-25. Review status: criteria provided, single submitter. Criteria: Sema4 Curation Guidelines. Collection method: curation. Allele origin: germline.
Comment: The BMPR1A c.250G>A (p.A84T) variant has been reported as a somatic variant in one individual with gastric cancer (PMID 31949278). This variant was not observed in the large and broad cohorts of the Genome Aggregation Database (PMID: 32461654). The variant has been reported in ClinVar (Variation ID 629273). Functional studies have not been performed, and in silico predictions of the variant's effect on protein function are inconclusive. The overall evidence is insufficient to meet ACMG/AMP criteria for classifying it as benign or pathogenic. In summary, the clinical significance of this variant is currently uncertain.

Color Diagnostics, LLC DBA Color Health
Classification: Uncertain significance for Hereditary cancer-predisposing syndrome. Last evaluated: 2019-05-16. Review status: criteria provided, single submitter. Criteria: ACMG Guidelines, 2015. Collection method: clinical testing. Allele origin: germline.

Literature cited by the submitters: PubMed 31949278 (cited by Sema4).

NM_004329.3(BMPR1A):c.250G>A (p.Ala84Thr)

Gene: BMPR1A (bone morphogenetic protein receptor type 1A; plus strand). Cytogenetic location: 10q23.2.
Variant type: single nucleotide variant.
Coding change: c.250G>A on transcript NM_004329.3 (MANE Select); coding-DNA position 250, G replaced by A.
Protein change: p.Ala84Thr; replaces alanine 84 with threonine.
Molecular consequence: missense variant.
Genome position (GRCh38, 1-based): chr10:86,892,146, G>A. VCF-style: chr10-86892146-G-A. GRCh37 (hg19) VCF-style: chr10-88651903-G-A.
Other names: short protein forms A84T.
Identifiers: ClinVar variation 629273 (VCV000629273.16), dbSNP rs1456980302, ClinGen allele CA377447992.